The following is an entry in ClinVar:

ClinVar aggregate classification (germline): Uncertain significance (1 of 4 stars; one submission).

Conditions:
Dilated cardiomyopathy 1G (CMD1G). Identifiers: Orphanet 154, MedGen C1858763, MONDO:0011400, OMIM 604145.
Autosomal recessive limb-girdle muscular dystrophy type 2J (LGMDR10). Also called: Limb-girdle muscular dystrophy, type 2J; MUSCULAR DYSTROPHY, LIMB-GIRDLE, AUTOSOMAL RECESSIVE 10. Identifiers: Orphanet 140922, MedGen C1837342, MONDO:0012127, OMIM 608807.

Submission:

Labcorp Genetics (formerly Invitae), Labcorp
Classification: Uncertain significance for Dilated cardiomyopathy 1G; Autosomal recessive limb-girdle muscular dystrophy type 2J. Last evaluated: 2024-04-13. Review status: criteria provided, single submitter. Criteria: Invitae Variant Classification Sherloc (09022015). Collection method: clinical testing. Allele origin: germline.
Comment: This sequence change replaces aspartic acid, which is acidic and polar, with histidine, which is basic and polar, at codon 35322 of the TTN protein (p.Asp35322His). This variant is not present in population databases (gnomAD no frequency). This variant has not been reported in the literature in individuals affected with TTN-related conditions. Experimental studies and prediction algorithms are not available or were not evaluated, and the functional significance of this variant is currently unknown. This variant is located in the M band of TTN (PMID: 25589632). Non-truncating variants in this region may be relevant for neuromuscular disorders, but have not been definitively shown to cause cardiomyopathy (PMID: 23975875). In summary, the available evidence is currently insufficient to determine the role of this variant in disease. Therefore, it has been classified as a Variant of Uncertain Significance.

Literature cited by the submitters: PubMed 25589632; PubMed 23975875.

NM_001267550.2(TTN):c.105964G>C (p.Asp35322His)

Genes: TTN-AS1 (TTN antisense RNA 1; plus strand), TTN (titin; minus strand), LOC129935183 (ATAC-STARR-seq lymphoblastoid active region 16808; plus strand). Cytogenetic location: 2q31.2.
Variant type: single nucleotide variant.
Coding change: c.105964G>C on transcript NM_001267550.2 (MANE Select); coding-DNA position 105964, G replaced by C.
Protein change: p.Asp35322His; replaces aspartic acid 35322 with histidine.
Molecular consequence: missense variant.
Genome position (GRCh38, 1-based): chr2:178,530,651, C>G on the plus strand (G>C on the coding strand, the complement: TTN is on the minus strand). VCF-style: chr2-178530651-C-G. GRCh37 (hg19) VCF-style: chr2-179395378-C-G.
Other names: c.101041G>C, p.Asp33681His (NM_001256850.1); c.78769G>C, p.Asp26257His (NM_003319.4); c.98260G>C, p.Asp32754His (NM_133378.4); c.79144G>C, p.Asp26382His (NM_133432.3); c.79345G>C, p.Asp26449His (NM_133437.4); short protein forms D26257H, D26382H, D26449H, D32754H, D33681H, D35322H.
Identifiers: ClinVar variation 3748988 (VCV003748988.2).
Genomic context (GRCh38, chr2:178,530,651, plus strand): 5'-AGGTACCATCTGCTGAATAATGAAACTGGAAATGCCCATTTTCCTTCAGTTTCTTGCCAT[C>G]TTTATACCAGGTGACCTCTTTTGCCCTTAATACACTGCTTTCAACCACACAGGTCAGTTT-3'
Protein context (NP_001254479.2, residues 35312-35332): LRAKEVTWYK[Asp35322His]GKKLKENGHF